The following is an entry in ClinVar:

NM_000243.3(MEFV):c.575G>C (p.Arg192Thr)

Gene: MEFV (MEFV innate immunity regulator, pyrin; minus strand). Cytogenetic location: 16p13.3.
Variant type: single nucleotide variant.
Coding change: c.575G>C on transcript NM_000243.3 (MANE Select); coding-DNA position 575, G replaced by C.
Protein change: p.Arg192Thr; replaces arginine 192 with threonine.
Molecular consequence: missense variant. On other transcripts: intron variant (1).
Genome position (GRCh38, 1-based): chr16:3,254,493, C>G on the plus strand (G>C on the coding strand, the complement: MEFV is on the minus strand). VCF-style: chr16-3254493-C-G. GRCh37 (hg19) VCF-style: chr16-3304493-C-G.
Other names: c.277+1818G>C (NM_001198536.2); short protein forms R192T.
Identifiers: ClinVar variation 644443 (VCV000644443.10), dbSNP rs1390723147, ClinGen allele CA394479442.

ClinVar aggregate classification (germline): Uncertain significance. Review status: criteria provided, single submitter (1 of 4 stars). 2 submissions from 2 submitters: Uncertain significance (1). 1 of the submissions does not count toward it. Last evaluated 2022-09-01.

Conditions:
Familial Mediterranean fever (FMF). Also called: POLYSEROSITIS, FAMILIAL PAROXYSMAL; POLYSEROSITIS, RECURRENT; Periodic peritonitis; Benign paroxysmal peritonitis. Identifiers: Orphanet 342, MedGen C0031069, MONDO:0018088, OMIM 249100. Disease mechanism: gain of function.

Allele frequency attached by ClinVar (database versions not stated): gnomAD exomes 0.00001 and below 0.00001; gnomAD 0.00001; TOPMed 0.00001.
gnomAD v4.1: 3 of 1,579,172 alleles (0.00019%); highest among the groups gnomAD compares: Non-Finnish European, 0.00026%; no homozygotes.

Submissions (2):

Labcorp Genetics (formerly Invitae), Labcorp
Classification: Uncertain significance for Familial Mediterranean fever. Last evaluated: 2022-09-01. Review status: criteria provided, single submitter. Criteria: Invitae Variant Classification Sherloc (09022015). Collection method: clinical testing. Allele origin: germline.
Comment: This sequence change replaces arginine, which is basic and polar, with threonine, which is neutral and polar, at codon 192 of the MEFV protein (p.Arg192Thr). The frequency data for this variant in the population databases is considered unreliable, as metrics indicate poor data quality at this position in the gnomAD database. This variant has not been reported in the literature in individuals affected with MEFV-related conditions. ClinVar contains an entry for this variant (Variation ID: 644443). Algorithms developed to predict the effect of missense changes on protein structure and function (SIFT, PolyPhen-2, Align-GVGD) all suggest that this variant is likely to be tolerated. In summary, the available evidence is currently insufficient to determine the role of this variant in disease. Therefore, it has been classified as a Variant of Uncertain Significance.

Natera, Inc.
Classification: Uncertain significance for Familial Mediterranean fever. Last evaluated: 2020-08-08. Review status: no assertion criteria provided. Collection method: clinical testing. Allele origin: germline. Not counted in ClinVar's aggregate classification.